The following is an entry in ClinVar:

ClinVar aggregate classification (germline): Uncertain significance (1 of 4 stars; one submission).

Conditions:
Lynch syndrome. Identifiers: Orphanet 144, MedGen C4552100, MONDO:0005835. Disease mechanism: loss of function.

Submission:

All of Us Research Program, National Institutes of Health
Classification: Uncertain significance for Lynch syndrome. Last evaluated: 2024-08-23. Review status: criteria provided, single submitter. Criteria: ACMG Guidelines, 2015. Collection method: clinical testing. Allele origin: germline. Inheritance: Autosomal dominant inheritance. Observed: 1 variant allele, 1 heterozygote.
Comment: This missense variant replaces isoleucine with serine at codon 325 of the PMS2 protein. Computational prediction suggests that this variant may have deleterious impact on protein structure and function (internally defined REVEL score threshold >= 0.7, PMID: 27666373). To our knowledge, functional studies have not been reported for this variant. This variant has not been reported in individuals affected with PMS2-related disorders in the literature. This variant has not been identified in the general population by the Genome Aggregation Database (gnomAD). The available evidence is insufficient to determine the role of this variant in disease conclusively. Therefore, this variant is classified as a Variant of Uncertain Significance.

This study involves interpretation of variants in research participants for the purpose of population health screening. Participant phenotype was not available at the time of variant classification. Additional details can be found in publication PMID: 35346344, PMCID: PMC8962531

NM_000535.7(PMS2):c.974T>G (p.Ile325Ser)

Gene: PMS2 (PMS1 homolog 2, mismatch repair system component; minus strand). Cytogenetic location: 7p22.1.
Variant type: single nucleotide variant.
Coding change: c.974T>G on transcript NM_000535.7 (MANE Select); coding-DNA position 974, T replaced by G.
Protein change: p.Ile325Ser; replaces isoleucine 325 with serine.
Molecular consequence: missense variant. On other transcripts: non-coding transcript variant (1), intron variant (1).
Genome position (GRCh38, 1-based): chr7:5,991,987, A>C on the plus strand (T>G on the coding strand, the complement: PMS2 is on the minus strand). VCF-style: chr7-5991987-A-C. GRCh37 (hg19) VCF-style: chr7-6031618-A-C.
Other names: c.569T>G, p.Ile190Ser (NM_001322003.2, NM_001322004.2, NM_001322005.2 and 19 more transcripts); c.974T>G, p.Ile325Ser (NM_001322006.2, NM_001322014.2, NM_001406870.1 and 2 more transcripts); c.656T>G, p.Ile219Ser (NM_001322007.2, NM_001322008.2, NM_001406876.1 and 4 more transcripts); c.41T>G, p.Ile14Ser (NM_001322011.2, NM_001322012.2); c.401T>G, p.Ile134Ser (NM_001322013.2, NM_001406909.1); c.665T>G, p.Ile222Ser (NM_001322015.2, NM_001406875.1, NM_001406877.1 and 6 more transcripts); c.1160T>G, p.Ile387Ser (NM_001406866.1); c.998T>G, p.Ile333Ser (NM_001406868.1); and 8 more; short protein forms I134S, I14S, I154S, I190S, I203S, I213S, I219S, I222S.
Identifiers: ClinVar variation 3387515 (VCV003387515.1).